The following is an entry in ClinVar:

ClinVar aggregate classification (germline): Uncertain significance (1 of 4 stars; one submission).

Conditions:
Congenital disorder of glycosylation (CDG). Also called: Carbohydrate-deficient glycoprotein syndrome; Congenital disorders of glycosylation. Identifiers: Orphanet 137, MedGen C0282577, MONDO:0015286.

Allele frequency attached by ClinVar (database versions not stated): TOPMed below 0.00001.

Submission:

Labcorp Genetics (formerly Invitae), Labcorp
Classification: Uncertain significance for Congenital disorder of glycosylation. Last evaluated: 2024-02-25. Review status: criteria provided, single submitter. Criteria: Invitae Variant Classification Sherloc (09022015). Collection method: clinical testing. Allele origin: germline.
Comment: This sequence change replaces valine, which is neutral and non-polar, with isoleucine, which is neutral and non-polar, at codon 9 of the RPN2 protein (p.Val9Ile). This variant is not present in population databases (gnomAD no frequency). This variant has not been reported in the literature in individuals affected with RPN2-related conditions. ClinVar contains an entry for this variant (Variation ID: 2193956). Algorithms developed to predict the effect of missense changes on protein structure and function output the following: SIFT: "Not Available"; PolyPhen-2: "Benign"; Align-GVGD: "Not Available". The isoleucine amino acid residue is found in multiple mammalian species, which suggests that this missense change does not adversely affect protein function. In summary, the available evidence is currently insufficient to determine the role of this variant in disease. Therefore, it has been classified as a Variant of Uncertain Significance.

NM_002951.5(RPN2):c.25G>A (p.Val9Ile)

Gene: RPN2 (ribophorin II; plus strand). Cytogenetic location: 20q11.23.
Variant type: single nucleotide variant.
Coding change: c.25G>A on transcript NM_002951.5 (MANE Select); coding-DNA position 25, G replaced by A.
Protein change: p.Val9Ile; replaces valine 9 with isoleucine.
Molecular consequence: missense variant. On other transcripts: 5 prime UTR variant (1).
Genome position (GRCh38, 1-based): chr20:37,184,191, G>A. VCF-style: chr20-37184191-G-A. GRCh37 (hg19) VCF-style: chr20-35812594-G-A.
Other names: c.25G>A, p.Val9Ile (NM_001135771.3, NM_001324299.2, NM_001324301.2 and 4 more transcripts); c.-175G>A (NM_001324306.2); short protein forms V9I.
Identifiers: ClinVar variation 2193956 (VCV002193956.4), dbSNP rs2066950298, ClinGen allele CA408847954.
Genomic context (GRCh38, chr20:37,184,191, plus strand): 5'-AGCACCTTGGAAGAGTGTAGAGTGTACTGAATGGTTGTTTCCCCCCAAGGTTCAAGCACT[G>A]TCTTCCTGTTGGCCCTGACAATCATAGCCAGCACCTGGGCTCTGACGCCCACTCACTACC-3'
Protein context (NP_002942.2, residues 1-19): MAPPGSST[Val9Ile]FLLALTIIAS